The following is an entry in ClinVar:

ClinVar aggregate classification (germline): Uncertain significance. Review status: criteria provided, multiple submitters, no conflicts (2 of 4 stars). 4 submissions from 4 submitters: Uncertain significance (4). Last evaluated 2025-09-01.

Conditions:
Donnai-Barrow syndrome. Also called: DBS/FOAR SYNDROME; FACIOOCULOACOUSTICORENAL SYNDROME. Identifiers: Orphanet 2143, MedGen C1857277, MONDO:0009104, OMIM 222448.
Inborn genetic diseases. Identifiers: MedGen C0950123, MeSH D030342.

Allele frequency attached by ClinVar (database versions not stated): ExAC 0.00003; gnomAD exomes 0.00004; gnomAD 0.00005; TOPMed 0.00005; ESP Exome Variant Server 0.00008.
gnomAD v4.1: 62 of 1,613,992 alleles (0.0038%); highest among the groups gnomAD compares: East Asian, 0.027%; no homozygotes.

Submissions (4):

Ambry Genetics
Classification: Uncertain significance for Inborn genetic diseases. Last evaluated: 2025-09-01. Review status: criteria provided, single submitter. Criteria: Ambry Variant Classification Scheme 2023. Collection method: clinical testing. Allele origin: germline.

Fulgent Genetics
Classification: Uncertain significance for Donnai-Barrow syndrome. Last evaluated: 2023-12-21. Review status: criteria provided, single submitter. Criteria: ACMG Guidelines, 2015. Collection method: clinical testing. Allele origin: germline.

Blueprint Genetics
Classification: Uncertain significance. Last evaluated: 2023-05-08. Review status: criteria provided, single submitter. Criteria: ACMG Guidelines, 2015. Collection method: clinical testing. Allele origin: germline.

Labcorp Genetics (formerly Invitae), Labcorp
Classification: Uncertain significance. Last evaluated: 2022-05-28. Review status: criteria provided, single submitter. Criteria: Invitae Variant Classification Sherloc (09022015). Collection method: clinical testing. Allele origin: germline.
Comment: This sequence change replaces glycine, which is neutral and non-polar, with arginine, which is basic and polar, at codon 4386 of the LRP2 protein (p.Gly4386Arg). This variant is present in population databases (rs371867711, gnomAD 0.008%). This variant has not been reported in the literature in individuals affected with LRP2-related conditions. Advanced modeling of protein sequence and biophysical properties (such as structural, functional, and spatial information, amino acid conservation, physicochemical variation, residue mobility, and thermodynamic stability) performed at Invitae indicates that this missense variant is not expected to disrupt LRP2 protein function. In summary, the available evidence is currently insufficient to determine the role of this variant in disease. Therefore, it has been classified as a Variant of Uncertain Significance.

NM_004525.3(LRP2):c.13156G>A (p.Gly4386Arg)

Gene: LRP2 (LDL receptor related protein 2; minus strand). Cytogenetic location: 2q31.1.
Variant type: single nucleotide variant.
Coding change: c.13156G>A on transcript NM_004525.3 (MANE Select); coding-DNA position 13156, G replaced by A.
Protein change: p.Gly4386Arg; replaces glycine 4386 with arginine.
Molecular consequence: missense variant.
Genome position (GRCh38, 1-based): chr2:169,140,498, C>T on the plus strand (G>A on the coding strand, the complement: LRP2 is on the minus strand). VCF-style: chr2-169140498-C-T. GRCh37 (hg19) VCF-style: chr2-169997008-C-T.
Other names: c.13156G>A (NM_004525.2); short protein forms G4386R.
Identifiers: ClinVar variation 2422010 (VCV002422010.8), dbSNP rs371867711, ClinGen allele CA1952636.